The following is an entry in ClinVar:

ClinVar aggregate classification (germline): Uncertain significance (1 of 4 stars; one submission).

Submission:

GeneDx
Classification: Uncertain significance. Last evaluated: 2022-02-01. Review status: criteria provided, single submitter. Criteria: GeneDx Variant Classification Process June 2021. Collection method: clinical testing. Allele origin: germline. Affected: yes.
Comment: Not observed at significant frequency in large population cohorts (gnomAD); In silico analysis supports that this missense variant has a deleterious effect on protein structure/function; Has not been previously published as pathogenic or benign to our knowledge

NM_006186.4(NR4A2):c.281A>T (p.Asp94Val)

Gene: NR4A2 (nuclear receptor subfamily 4 group A member 2; minus strand). Cytogenetic location: 2q24.1.
Variant type: single nucleotide variant.
Coding change: c.281A>T on transcript NM_006186.4 (MANE Select); coding-DNA position 281, A replaced by T.
Protein change: p.Asp94Val; replaces aspartic acid 94 with valine.
Molecular consequence: missense variant.
Genome position (GRCh38, 1-based): chr2:156,329,906, T>A on the plus strand (A>T on the coding strand, the complement: NR4A2 is on the minus strand). VCF-style: chr2-156329906-T-A. GRCh37 (hg19) VCF-style: chr2-157186418-T-A.
Other names: c.92A>T, p.Asp31Val (NM_173173.3); short protein forms D31V, D94V.
Identifiers: ClinVar variation 1699838 (VCV001699838.2), dbSNP rs1686847906, ClinGen allele CA348682781.